The following is an entry in ClinVar:

ClinVar aggregate classification (germline): Uncertain significance (1 of 4 stars; one submission).

Conditions:
Hypertrophic cardiomyopathy. Also called: HYPERTROPHIC MYOCARDIOPATHY. Identifiers: Orphanet 217569, MedGen C0007194, MeSH D002312, MONDO:0005045, HP:0001639.

gnomAD v4.1: 5 of 1,613,438 alleles (0.00031%); highest among the groups gnomAD compares: East Asian, 0.0022%; no homozygotes.

Submission:

Labcorp Genetics (formerly Invitae), Labcorp
Classification: Uncertain significance for Hypertrophic cardiomyopathy. Last evaluated: 2025-02-27. Review status: criteria provided, single submitter. Criteria: Invitae Variant Classification Sherloc (09022015). Collection method: clinical testing. Allele origin: germline.
Comment: This sequence change replaces alanine, which is neutral and non-polar, with valine, which is neutral and non-polar, at codon 1082 of the MYOM1 protein (p.Ala1082Val). This variant is not present in population databases (gnomAD no frequency). This variant has not been reported in the literature in individuals affected with MYOM1-related conditions. Invitae Evidence Modeling of protein sequence and biophysical properties (such as structural, functional, and spatial information, amino acid conservation, physicochemical variation, residue mobility, and thermodynamic stability) indicates that this missense variant is not expected to disrupt MYOM1 protein function with a negative predictive value of 80%. In summary, the available evidence is currently insufficient to determine the role of this variant in disease. Therefore, it has been classified as a Variant of Uncertain Significance.

NM_003803.4(MYOM1):c.3245C>T (p.Ala1082Val)

Gene: MYOM1 (myomesin 1; minus strand). Cytogenetic location: 18p11.31.
Variant type: single nucleotide variant.
Coding change: c.3245C>T on transcript NM_003803.4 (MANE Select); coding-DNA position 3245, C replaced by T.
Protein change: p.Ala1082Val; replaces alanine 1082 with valine.
Molecular consequence: missense variant.
Genome position (GRCh38, 1-based): chr18:3,116,389, G>A on the plus strand (C>T on the coding strand, the complement: MYOM1 is on the minus strand). VCF-style: chr18-3116389-G-A. GRCh37 (hg19) VCF-style: chr18-3116387-G-A.
Other names: c.2957C>T, p.Ala986Val (NM_019856.2); short protein forms A1082V, A986V.
Identifiers: ClinVar variation 3702739 (VCV003702739.2).